The following is an entry in ClinVar:

NM_177550.5(SLC13A5):c.1276-19C>A

Gene: SLC13A5 (solute carrier family 13 member 5; minus strand). Cytogenetic location: 17p13.1.
Variant type: single nucleotide variant.
Coding change: c.1276-19C>A on transcript NM_177550.5 (MANE Select); 19 bases into the intron before coding-DNA position 1276, C replaced by A.
Molecular consequence: intron variant.
Genome position (GRCh38, 1-based): chr17:6,690,959, G>T on the plus strand (C>A on the coding strand, the complement: SLC13A5 is on the minus strand). VCF-style: chr17-6690959-G-T. GRCh37 (hg19) VCF-style: chr17-6594278-G-T.
Other names: c.1147-19C>A (NM_001284510.2); c.1225-19C>A (NM_001284509.2); c.1276-19C>A (NM_001143838.3).
Identifiers: ClinVar variation 385837 (VCV000385837.11), dbSNP rs200223186, ClinGen allele CA8331427.

ClinVar aggregate classification (germline): Likely benign. Review status: criteria provided, multiple submitters, no conflicts (2 of 4 stars). 4 submissions from 4 submitters: Likely benign (4). Last evaluated 2026-02-01.

Conditions:
Developmental and epileptic encephalopathy, 25 (DEE25). Also called: Developmental and epileptic encephalopathy 25, with amelogenesis imperfecta; Epileptic encephalopathy, early infantile, 25, with amelogenesis imperfecta; Epileptic encephalopathy, early infantile, 25. Identifiers: Orphanet 442835, MedGen C4014621, MONDO:0014392, OMIM 615905.

Allele frequency attached by ClinVar (database versions not stated): ESP Exome Variant Server 0.00015; gnomAD 0.00015 and 0.00017; TOPMed 0.00017; 1000 Genomes Project 30x 0.00031; 1000 Genomes Project 0.00040.

Submissions (4):

Labcorp Genetics (formerly Invitae), Labcorp
Classification: Likely benign for Developmental and epileptic encephalopathy, 25. Last evaluated: 2026-02-01. Review status: criteria provided, single submitter. Criteria: Invitae Variant Classification Sherloc (09022015). Collection method: clinical testing. Allele origin: germline.

Blueprint Genetics
Classification: Likely benign. Last evaluated: 2024-11-13. Review status: criteria provided, single submitter. Criteria: ACMG Guidelines, 2015. Collection method: clinical testing. Allele origin: germline.

GeneDx
Classification: Likely benign. Last evaluated: 2017-09-14. Review status: criteria provided, single submitter. Criteria: GeneDx Variant Classification (06012015). Collection method: clinical testing. Allele origin: germline. Affected: yes.
Comment: This variant is considered likely benign or benign based on one or more of the following criteria: it is a conservative change, it occurs at a poorly conserved position in the protein, it is predicted to be benign by multiple in silico algorithms, and/or has population frequency not consistent with disease.

Breakthrough Genomics
Classification: Likely benign. Review status: criteria provided, single submitter. Criteria: ACMG Guidelines, 2015. Collection method: not provided. Allele origin: germline. Inheritance: Autosomal recessive inheritance. Affected: yes.